The following is an entry in ClinVar:

ClinVar aggregate classification (germline): Pathogenic/Likely pathogenic. Review status: criteria provided, multiple submitters, no conflicts (2 of 4 stars). 4 submissions from 4 submitters: Pathogenic (3); Likely pathogenic (1). Last evaluated 2026-08-06.

Conditions:
Mitochondrial complex I deficiency, nuclear type 4. Also called: Mitochondrial complex 1 deficiency, nuclear type 4. Identifiers: MedGen C4748753, MONDO:0032609, OMIM 618225.
Leigh syndrome (NULS). Also called: Leigh Syndrome (mtDNA deletion); Leigh's necrotizing encephalopathy; Leigh's disease; Leigh's syndrome; Leigh Disease; Subacute necrotizing encephalopathy. Identifiers: Orphanet 506, MedGen C2931891, MONDO:0009723, OMIM 256000.

Submissions (4):

OLLIN Analises Genomicas, OLLIN
Classification: Pathogenic for Mitochondrial complex I deficiency, nuclear type 4. Last evaluated: 2026-08-06. Review status: criteria provided, single submitter. Criteria: ACMG Guidelines 2015 PMID 25741868. Collection method: clinical testing. Allele origin: germline.
Comment: This frameshift variant, located in exon 9 (of 10), has been reported in ClinVar (accession VCV000802694.5) and in gnomAD with an allele frequency of 0.00031%. However, to our knowledge, it has not been reported in the scientific literature. This variant causes a frameshift and introduces a premature stop codon, which is predicted to result in either a truncated protein or degradation of the mRNA via nonsense-mediated decay (NMD). According to the currently available evidence, this variant has been classified as pathogenic (PVS1, PM2_P, PM3).

GeneDx
Classification: Likely pathogenic. Last evaluated: 2025-04-01. Review status: criteria provided, single submitter. Criteria: GeneDx Variant Classification Process June 2021. Collection method: clinical testing. Allele origin: germline. Affected: yes.
Comment: Frameshift variant predicted to result in protein truncation as the last 62 amino acids are replaced with 26 different amino acids, although loss-of-function variants have not been reported downstream of this position in the protein; Not observed at significant frequency in large population cohorts (gnomAD); This variant is associated with the following publications: (PMID: 33258288, 34807224, 31847883)

Labcorp Genetics (formerly Invitae), Labcorp
Classification: Pathogenic. Last evaluated: 2024-02-20. Review status: criteria provided, single submitter. Criteria: Invitae Variant Classification Sherloc (09022015). Collection method: clinical testing. Allele origin: germline.
Comment: This sequence change creates a premature translational stop signal (p.Asp403Glyfs*27) in the NDUFV1 gene. While this is not anticipated to result in nonsense mediated decay, it is expected to disrupt the last 62 amino acid(s) of the NDUFV1 protein. This variant is not present in population databases (gnomAD no frequency). This premature translational stop signal has been observed in individual(s) with clinical features of mitochondrial complex I deficiency (PMID: 33258288, 34807224). In at least one individual the data is consistent with being in trans (on the opposite chromosome) from a pathogenic variant. ClinVar contains an entry for this variant (Variation ID: 802694). Algorithms developed to predict the effect of sequence changes on RNA splicing suggest that this variant may disrupt the consensus splice site. This variant disrupts a region of the NDUFV1 protein in which other variant(s) (p.Thr423Met) have been determined to be pathogenic (PMID: 10080174, 22644603, 30090137). This suggests that this is a clinically significant region of the protein, and that variants that disrupt it are likely to be disease-causing. For these reasons, this variant has been classified as Pathogenic.

Mendelics
Classification: Pathogenic for Leigh syndrome. Last evaluated: 2019-05-28. Review status: criteria provided, single submitter. Criteria: Mendelics Assertion Criteria 2017. Collection method: clinical testing. Allele origin: unknown.

Literature cited by the submitters: PubMed 33258288 (cited by Labcorp Genetics (formerly Invitae), Labcorp); PubMed 34807224 (cited by Labcorp Genetics (formerly Invitae), Labcorp); PubMed 10080174 (cited by Labcorp Genetics (formerly Invitae), Labcorp); PubMed 22644603 (cited by Labcorp Genetics (formerly Invitae), Labcorp); PubMed 30090137 (cited by Labcorp Genetics (formerly Invitae), Labcorp).

NM_007103.4(NDUFV1):c.1207dup (p.Asp403fs)

Genes: NDUFV1 (NADH:ubiquinone oxidoreductase core subunit V1; plus strand), LOC126861242 (CDK7 strongly-dependent group 2 enhancer GRCh37_chr11:67379204-67380403; plus strand). Cytogenetic location: 11q13.2.
Variant type: Duplication.
Coding change: c.1207dup on transcript NM_007103.4 (MANE Select); coding-DNA position 1207, one base duplicated (G; older notation c.1207dupG).
Protein change: p.Asp403fs; shifts the reading frame from aspartic acid 403.
Molecular consequence: frameshift variant.
Genome position (GRCh38, 1-based): chr11:67,612,164, G duplicated; the last of 6 consecutive G bases (chr11:67,612,159-67,612,164); duplicating any one gives the same sequence. VCF-style (leftmost placement, unchanged base first): chr11-67612158-A-AG. GRCh37 (hg19) VCF-style: chr11-67379629-A-AG.
Other names: c.1180dup, p.Asp394fs (NM_001166102.2); c.1207dup (NM_007103.3); short protein forms D403fs, D394fs.
Identifiers: ClinVar variation 802694 (VCV000802694.6), dbSNP rs766830864, ClinGen allele CA6143444.